The following is an entry in ClinVar:

ClinVar aggregate classification (germline): Uncertain significance (1 of 4 stars; one submission).

Conditions:
Atrioventricular septal defect 5 (AVSD5). Identifiers: MedGen C3280939, MONDO:0013769, OMIM 614474.

Submission:

Labcorp Genetics (formerly Invitae), Labcorp
Classification: Uncertain significance for Atrioventricular septal defect 5. Last evaluated: 2021-09-08. Review status: criteria provided, single submitter. Criteria: Invitae Variant Classification Sherloc (09022015). Collection method: clinical testing. Allele origin: germline.
Comment: This sequence change replaces alanine with proline at codon 241 of the GATA6 protein (p.Ala241Pro). The alanine residue is weakly conserved and there is a small physicochemical difference between alanine and proline. The frequency data for this variant in the population databases is considered unreliable, as metrics indicate insufficient coverage at this position in the ExAC database. This variant has not been reported in the literature in individuals affected with GATA6-related conditions. Algorithms developed to predict the effect of missense changes on protein structure and function are either unavailable or do not agree on the potential impact of this missense change (SIFT: "Deleterious"; PolyPhen-2: "Benign"; Align-GVGD: "Class C0"). In summary, the available evidence is currently insufficient to determine the role of this variant in disease. Therefore, it has been classified as a Variant of Uncertain Significance.

NM_005257.6(GATA6):c.721G>C (p.Ala241Pro)

Gene: GATA6 (GATA binding protein 6; plus strand). Cytogenetic location: 18q11.2.
Variant type: single nucleotide variant.
Coding change: c.721G>C on transcript NM_005257.6 (MANE Select); coding-DNA position 721, G replaced by C.
Protein change: p.Ala241Pro; replaces alanine 241 with proline.
Molecular consequence: missense variant.
Genome position (GRCh38, 1-based): chr18:22,171,865, G>C. VCF-style: chr18-22171865-G-C. GRCh37 (hg19) VCF-style: chr18-19751826-G-C.
Other names: short protein forms A241P.
Identifiers: ClinVar variation 1473788 (VCV001473788.6), dbSNP rs2143277140, ClinGen allele CA401800569.